The following is an entry in ClinVar:

ClinVar aggregate classification (germline): Likely benign (1 of 4 stars; one submission).

Conditions:
ROBO3-related disorder. Also called: ROBO3-related condition.

gnomAD v4.1: 8 of 1,451,380 alleles (0.00055%); highest among the groups gnomAD compares: Admixed American, 0.0027%; no homozygotes.

Submission:

PreventionGenetics, part of Exact Sciences
Classification: Likely benign for ROBO3-related condition. Last evaluated: 2025-02-01. Review status: criteria provided, single submitter. Criteria: ACMG Guidelines, 2015. Collection method: clinical testing. Allele origin: germline.
Comment: This variant is classified as likely benign based on ACMG/AMP sequence variant interpretation guidelines (Richards et al. 2015 PMID: 25741868, with internal and published modifications).

NM_022370.4(ROBO3):c.2710C>T (p.Leu904=)

Gene: ROBO3 (roundabout guidance receptor 3; plus strand). Cytogenetic location: 11q24.2.
Variant type: single nucleotide variant.
Coding change: c.2710C>T on transcript NM_022370.4 (MANE Select); coding-DNA position 2710, C replaced by T.
Protein change: p.Leu904=; no amino-acid change (leucine 904 retained).
Molecular consequence: synonymous variant. On other transcripts: 5 prime UTR variant (1), non-coding transcript variant (1).
Genome position (GRCh38, 1-based): chr11:124,876,391, C>T. VCF-style: chr11-124876391-C-T. GRCh37 (hg19) VCF-style: chr11-124746287-C-T.
Other names: c.-144C>T (NM_001370356.1).
Identifiers: ClinVar variation 4981967 (VCV004981967.1).